The following is an entry in ClinVar:

ClinVar aggregate classification (germline): Pathogenic. Review status: criteria provided, multiple submitters, no conflicts (2 of 4 stars). 2 submissions from 2 submitters: Pathogenic (2). Last evaluated 2025-06-26.

Conditions:
Hereditary cancer-predisposing syndrome. Also called: Hereditary neoplastic syndrome; Tumor predisposition; Hereditary Cancer Syndrome; Neoplastic Syndromes, Hereditary. Identifiers: Orphanet 140162, MedGen C0027672, MeSH D009386, MONDO:0015356.
Hereditary breast ovarian cancer syndrome. Also called: Hereditary breast and/or ovarian cancer syndrome; BRCA1- and BRCA2-Associated Hereditary Breast and Ovarian Cancer; Breast and ovarian cancer; Hereditary breast and ovarian cancer; Hereditary breast and ovarian cancer syndrome; Hereditary breast and ovarian cancer syndrome (HBOC). Identifiers: Orphanet 145, MedGen C0677776, MeSH D061325, MONDO:0003582. Disease mechanism: loss of function.

Submissions (2):

GeneKor MSA
Classification: Pathogenic for Hereditary breast ovarian cancer syndrome. Last evaluated: 2025-06-26. Review status: criteria provided, single submitter. Criteria: ACMG Guidelines, 2015. Collection method: clinical testing. Allele origin: germline. Affected: yes.
Comment: This sequence change deletes 34 nucleotides from exon 23 of BRCA2 mRNA c.(8940delA), causing a frameshift at codon 2998 and the creation of a premature translation stop signal 19 amino acid residues later-p.(Ser2998Ilefs*19). This is expected to result in an absent or disrupted protein product. Truncating variants in BRCA2 are known to be pathogenic (PMID:20104584). This variant is not present in population databases (rs1555288450). The mutation database Clinvar contains entry for this variant where it is listed as pathogenic (VCV000418600.42). Based on the classification criteria set by the ACMG and AMP (PMID:25741868) this variant has been classified as pathogenic.

Color Diagnostics, LLC DBA Color Health
Classification: Pathogenic for Hereditary cancer-predisposing syndrome. Last evaluated: 2022-02-10. Review status: criteria provided, single submitter. Criteria: ACMG Guidelines, 2015. Collection method: clinical testing. Allele origin: germline.
Comment: This variant deletes 34 nucleotides in exon 23 of the BRCA2 gene, creating a frameshift and premature translation stop signal. This variant is expected to result in an absent or non-functional protein product. This variant has been reported in individuals affected with early onset and triple-negative breast cancer (PMID: 27616075, Color internal data). This variant has not been identified in the general population by the Genome Aggregation Database (gnomAD). Loss of BRCA2 function is a known mechanism of disease. Based on the available evidence, this variant is classified as Pathogenic.

Literature cited by the submitters: PubMed 20104584 (cited by GeneKor MSA); PubMed 27616075 (cited by Color Diagnostics, LLC DBA Color Health).

NM_000059.4(BRCA2):c.8992_9025del (p.Ser2998fs)

Gene: BRCA2 (BRCA2 DNA repair associated; plus strand). Cytogenetic location: 13q13.1.
Variant type: Deletion.
Coding change: c.8992_9025del on transcript NM_000059.4 (MANE Select); coding-DNA positions 8992 to 9025, 34 bases deleted.
Protein change: p.Ser2998fs; shifts the reading frame from serine 2998.
Molecular consequence: frameshift variant.
Genome position (GRCh38, 1-based): chr13:32,379,788-32,379,821, 34 bases deleted; deleting any 34 consecutive bases within chr13:32,379,787-32,379,821 gives the same sequence; the c. name uses the placement nearest the transcript's 3' end. GRCh37 (hg19): chr13:32,953,925-32,953,958.
Other names: c.8992_9025delTCTCTGTTAACAGAAGGAAAGAGATACAGAATTT (NM_000059.3); short protein forms S2998fs.
Identifiers: ClinVar variation 491367 (VCV000491367.6), dbSNP rs1555288450, ClinGen allele CA658683857.